The following is an entry in ClinVar:

ClinVar aggregate classification (germline): Uncertain significance (1 of 4 stars; one submission).

Conditions:
Developmental and epileptic encephalopathy 94 (DEE94). Also called: Epileptic encephalopathy, childhood-onset; CHD2-Related Neurodevelopmental Disorders. Identifiers: Orphanet 1942, Orphanet 2382, MedGen C3809278, MONDO:0014150, OMIM 615369.

Allele frequency attached by ClinVar (database versions not stated): ExAC 0.00002; gnomAD 0.00002; TOPMed 0.00002.
gnomAD v4.1: 16 of 1,613,812 alleles (0.00099%); highest among the groups gnomAD compares: Middle Eastern, 0.016%; no homozygotes.

Submission:

Labcorp Genetics (formerly Invitae), Labcorp
Classification: Uncertain significance for Developmental and epileptic encephalopathy 94. Last evaluated: 2025-11-24. Review status: criteria provided, single submitter. Criteria: Invitae Variant Classification Sherloc (09022015). Collection method: clinical testing. Allele origin: germline.
Comment: This sequence change replaces arginine, which is basic and polar, with histidine, which is basic and polar, at codon 1251 of the CHD2 protein (p.Arg1251His). This variant is present in population databases (rs748103788, gnomAD 0.002%). This variant has not been reported in the literature in individuals affected with CHD2-related conditions. ClinVar contains an entry for this variant (Variation ID: 2994379). Invitae Evidence Modeling of protein sequence and biophysical properties (such as structural, functional, and spatial information, amino acid conservation, physicochemical variation, residue mobility, and thermodynamic stability) indicates that this missense variant is not expected to disrupt CHD2 protein function with a negative predictive value of 95%. In summary, the available evidence is currently insufficient to determine the role of this variant in disease. Therefore, it has been classified as a Variant of Uncertain Significance.

NM_001271.4(CHD2):c.3752G>A (p.Arg1251His)

Gene: CHD2 (chromodomain helicase DNA binding protein 2; plus strand). Cytogenetic location: 15q26.1.
Variant type: single nucleotide variant.
Coding change: c.3752G>A on transcript NM_001271.4 (MANE Select); coding-DNA position 3752, G replaced by A.
Protein change: p.Arg1251His; replaces arginine 1251 with histidine.
Molecular consequence: missense variant.
Genome position (GRCh38, 1-based): chr15:92,997,270, G>A. VCF-style: chr15-92997270-G-A. GRCh37 (hg19) VCF-style: chr15-93540500-G-A.
Other names: short protein forms R1251H.
Identifiers: ClinVar variation 2994379 (VCV002994379.3), dbSNP rs748103788, ClinGen allele CA7748304.